The following is an entry in ClinVar:

ClinVar aggregate classification (germline): Pathogenic (1 of 4 stars; one submission).

Conditions:
Dilated cardiomyopathy 1G (CMD1G). Identifiers: Orphanet 154, MedGen C1858763, MONDO:0011400, OMIM 604145.
Autosomal recessive limb-girdle muscular dystrophy type 2J (LGMDR10). Also called: Limb-girdle muscular dystrophy, type 2J; MUSCULAR DYSTROPHY, LIMB-GIRDLE, AUTOSOMAL RECESSIVE 10. Identifiers: Orphanet 140922, MedGen C1837342, MONDO:0012127, OMIM 608807.

Submission:

Labcorp Genetics (formerly Invitae), Labcorp
Classification: Pathogenic for Dilated cardiomyopathy 1G; Autosomal recessive limb-girdle muscular dystrophy type 2J. Last evaluated: 2025-09-10. Review status: criteria provided, single submitter. Criteria: Invitae Variant Classification Sherloc (09022015). Collection method: clinical testing. Allele origin: germline.
Comment: This sequence change creates a premature translational stop signal (p.Met2191Tyrfs*5) in the TTN gene. While this is not anticipated to result in nonsense mediated decay, it is expected to create a truncated TTN protein. This variant is not present in population databases (gnomAD no frequency). This premature translational stop signal has been observed in individuals with dilated cardiomyopathy (internal data). ClinVar contains an entry for this variant (Variation ID: 1035316). This variant is located in the I band of TTN (PMID: 25589632). Truncating variants in this region have been reported in individuals affected with autosomal recessive centronuclear myopathy (PMID: 23975875, internal data). Truncating variants in this region have also been identified in individuals affected with autosomal dominant dilated cardiomyopathy and/or cardio-related conditions (PMID: 27869827, 32964742, internal data). For these reasons, this variant has been classified as Pathogenic.

Literature cited by the submitters: PubMed 25589632; PubMed 23975875; PubMed 27869827; PubMed 32964742.

NM_001267550.2(TTN):c.6570dup (p.Met2191fs)

Gene: TTN (titin; minus strand). Cytogenetic location: 2q31.2.
Variant type: Duplication.
Coding change: c.6570dup on transcript NM_001267550.2 (MANE Select); coding-DNA position 6570, one base duplicated (T; older notation c.6570dupT).
Protein change: p.Met2191fs; shifts the reading frame from methionine 2191.
Molecular consequence: frameshift variant.
Genome position (GRCh38, 1-based): chr2:178,775,141, A duplicated on the plus strand (T on the coding strand, the reverse complement: TTN is on the minus strand). VCF-style (leftmost placement, unchanged base first): chr2-178775140-T-TA. GRCh37 (hg19) VCF-style: chr2-179639867-T-TA.
Other names: c.6432dup, p.Met2145fs (NM_003319.4, NM_133432.3, NM_133437.4); c.6570dup, p.Met2191fs (NM_133378.4, NM_133379.5, NM_001256850.1); short protein forms M2145fs, M2191fs.
Identifiers: ClinVar variation 1035316 (VCV001035316.7), dbSNP rs2092066056, ClinGen allele CA1310617104.
Genomic context (GRCh38, chr2:178,775,140, plus strand): 5'-CATCTTTATACCATTTCACTTTGACAAATGGTTCTGAAGTTTCACATTCAAAGGTTGCCA[T>TA]AGTGTCTTTTTCCTTAGCAACAACATCTTGTAATTCCTGTGTGAAAGTGATCAATTGCTT-3'